The following is an entry in ClinVar:

NM_033100.4(CDHR1):c.731C>A (p.Pro244His)

Gene: CDHR1 (cadherin related family member 1; plus strand). Cytogenetic location: 10q23.1.
Variant type: single nucleotide variant.
Coding change: c.731C>A on transcript NM_033100.4 (MANE Select); coding-DNA position 731, C replaced by A.
Protein change: p.Pro244His; replaces proline 244 with histidine.
Molecular consequence: missense variant.
Genome position (GRCh38, 1-based): chr10:84,203,071, C>A. VCF-style: chr10-84203071-C-A. GRCh37 (hg19) VCF-style: chr10-85962827-C-A.
Other names: c.731C>A, p.Pro244His (NM_001171971.3); short protein forms P244H.
Identifiers: ClinVar variation 1368484 (VCV001368484.8), dbSNP rs1402687626, ClinGen allele CA377372717.

ClinVar aggregate classification (germline): Uncertain significance (1 of 4 stars; one submission).

Submission:

Labcorp Genetics (formerly Invitae), Labcorp
Classification: Uncertain significance. Last evaluated: 2021-07-18. Review status: criteria provided, single submitter. Criteria: Invitae Variant Classification Sherloc (09022015). Collection method: clinical testing. Allele origin: germline.
Comment: In summary, the available evidence is currently insufficient to determine the role of this variant in disease. Therefore, it has been classified as a Variant of Uncertain Significance. Advanced modeling of protein sequence and biophysical properties (such as structural, functional, and spatial information, amino acid conservation, physicochemical variation, residue mobility, and thermodynamic stability) performed at Invitae indicates that this missense variant is expected to disrupt CDHR1 protein function. This variant has not been reported in the literature in individuals affected with CDHR1-related conditions. This variant is not present in population databases (ExAC no frequency). This sequence change replaces proline with histidine at codon 244 of the CDHR1 protein (p.Pro244His). The proline residue is highly conserved and there is a moderate physicochemical difference between proline and histidine.